The following is an entry in ClinVar:

ClinVar aggregate classification (germline): Likely pathogenic (1 of 4 stars; one submission).

Conditions:
Long QT syndrome (LQTS). Identifiers: MedGen C0023976, MeSH D008133, MONDO:0002442. Disease mechanism: loss of function. Inheritance: Various modes of inheritance.

Submission:

Labcorp Genetics (formerly Invitae), Labcorp
Classification: Likely pathogenic for Long QT syndrome. Last evaluated: 2024-10-12. Review status: criteria provided, single submitter. Criteria: Invitae Variant Classification Sherloc (09022015). Collection method: clinical testing. Allele origin: germline.
Comment: This sequence change replaces glycine, which is neutral and non-polar, with cysteine, which is neutral and slightly polar, at codon 604 of the KCNH2 protein (p.Gly604Cys). This variant is not present in population databases (gnomAD no frequency). This missense change has been observed in individual(s) with long QT Syndrome (PMID: 29037423). In at least one individual the variant was observed to be de novo. An algorithm developed to predict the effect of missense changes on protein structure and function (PolyPhen-2) suggests that this variant is likely to be disruptive. This variant disrupts the p.Gly604 amino acid residue in KCNH2. Other variant(s) that disrupt this residue have been determined to be pathogenic (PMID: 10220144, 10973849, 11854117, 12566525, 14998624, 17171344, 18441445, 19843919, 22402334, 22821100, 22949429, 23158531). This suggests that this residue is clinically significant, and that variants that disrupt this residue are likely to be disease-causing. In summary, the currently available evidence indicates that the variant is pathogenic, but additional data are needed to prove that conclusively. Therefore, this variant has been classified as Likely Pathogenic.

Literature cited by the submitters: PubMed 29037423; PubMed 10220144; PubMed 10973849; PubMed 11854117; PubMed 12566525; PubMed 14998624; PubMed 17171344; PubMed 18441445; PubMed 19843919; PubMed 22402334; PubMed 22821100; PubMed 22949429; PubMed 23158531.

NM_000238.4(KCNH2):c.1810G>T (p.Gly604Cys)

Gene: KCNH2 (potassium voltage-gated channel subfamily H member 2; minus strand). Cytogenetic location: 7q36.1.
Variant type: single nucleotide variant.
Coding change: c.1810G>T on transcript NM_000238.4 (MANE Select); coding-DNA position 1810, G replaced by T.
Protein change: p.Gly604Cys; replaces glycine 604 with cysteine.
Molecular consequence: missense variant. On other transcripts: non-coding transcript variant (2).
Genome position (GRCh38, 1-based): chr7:150,951,583, C>A on the plus strand (G>T on the coding strand, the complement: KCNH2 is on the minus strand). VCF-style: chr7-150951583-C-A. GRCh37 (hg19) VCF-style: chr7-150648671-C-A.
Other names: c.790G>T, p.Gly264Cys (NM_001204798.2, NM_172057.3); c.1522G>T, p.Gly508Cys (NM_001406753.1, NM_001406756.1); c.1633G>T, p.Gly545Cys (NM_001406755.1); c.1510G>T, p.Gly504Cys (NM_001406757.1); c.1810G>T, p.Gly604Cys (NM_172056.3); short protein forms G545C, G604C, G504C, G264C, G508C.
Identifiers: ClinVar variation 3720791 (VCV003720791.2).
Genomic context (GRCh38, chr7:150,951,583, plus strand): 5'-TGGTGAGGCTGCTGAAGGTGAAGTAGAGCGCCGTCACATACTTGTCCTTGATGGAGGGGC[C>A]GCCCAGGCCGCTGCTGTTGTAGGGTTTGCCTATCTGGTCGCCCAGGTTGTGCAGCCAGCC-3'
Protein context (NP_000229.1, residues 594-614): GKPYNSSGLG[Gly604Cys]PSIKDKYVTA